The following is an entry in ClinVar:

NM_001039348.3(EFEMP1):c.293C>T (p.Thr98Ile)

Gene: EFEMP1 (EGF-like fibulin extracellular matrix protein 1; minus strand). Cytogenetic location: 2p16.1.
Variant type: single nucleotide variant.
Coding change: c.293C>T on transcript NM_001039348.3 (MANE Select); coding-DNA position 293, C replaced by T.
Protein change: p.Thr98Ile; replaces threonine 98 with isoleucine.
Molecular consequence: missense variant.
Genome position (GRCh38, 1-based): chr2:55,917,889, G>A on the plus strand (C>T on the coding strand, the complement: EFEMP1 is on the minus strand). VCF-style: chr2-55917889-G-A. GRCh37 (hg19) VCF-style: chr2-56145024-G-A.
Other names: c.293C>T, p.Thr98Ile (NM_001039349.3); short protein forms T98I.
Identifiers: ClinVar variation 2126665 (VCV002126665.4), dbSNP rs772140491, ClinGen allele CA1668967.

ClinVar aggregate classification (germline): Uncertain significance (1 of 4 stars; one submission).

Allele frequency attached by ClinVar (database versions not stated): gnomAD exomes below 0.00001; ExAC 0.00001.
gnomAD v4.1: 1 of 1,614,242 alleles (0.000062%); highest among the groups gnomAD compares: South Asian, 0.0011%; no homozygotes.

Submission:

Labcorp Genetics (formerly Invitae), Labcorp
Classification: Uncertain significance. Last evaluated: 2022-04-16. Review status: criteria provided, single submitter. Criteria: Invitae Variant Classification Sherloc (09022015). Collection method: clinical testing. Allele origin: germline.
Comment: In summary, the available evidence is currently insufficient to determine the role of this variant in disease. Therefore, it has been classified as a Variant of Uncertain Significance. Algorithms developed to predict the effect of missense changes on protein structure and function (SIFT, PolyPhen-2, Align-GVGD) all suggest that this variant is likely to be tolerated. This variant has not been reported in the literature in individuals affected with EFEMP1-related conditions. This variant is present in population databases (rs772140491, gnomAD 0.003%). This sequence change replaces threonine, which is neutral and polar, with isoleucine, which is neutral and non-polar, at codon 98 of the EFEMP1 protein (p.Thr98Ile).